The following is an entry in ClinVar:

ClinVar aggregate classification (germline): Uncertain significance. Review status: criteria provided, multiple submitters, no conflicts (2 of 4 stars). 2 submissions from 2 submitters: Uncertain significance (2). Last evaluated 2023-12-21.

Conditions:
Isolated focal cortical dysplasia type II (FCORD2). Also called: Focal cortical dysplasia type II; CORTICAL DYSPLASIA OF TAYLOR. Identifiers: Orphanet 268994, MedGen C1846385, MONDO:0011818, OMIM 607341, HP:0032051.
Tuberous sclerosis 2 (TSC2). Identifiers: Orphanet 805, MedGen C1860707, MONDO:0013199, OMIM 613254.

Submissions (2):

Labcorp Genetics (formerly Invitae), Labcorp
Classification: Uncertain significance for Tuberous sclerosis 2. Last evaluated: 2023-12-21. Review status: criteria provided, single submitter. Criteria: Invitae Variant Classification Sherloc (09022015). Collection method: clinical testing. Allele origin: germline.
Comment: This sequence change replaces tyrosine, which is neutral and polar, with cysteine, which is neutral and slightly polar, at codon 1505 of the TSC2 protein (p.Tyr1505Cys). This variant is not present in population databases (gnomAD no frequency). This variant has not been reported in the literature in individuals affected with TSC2-related conditions. ClinVar contains an entry for this variant (Variation ID: 1017292). Advanced modeling of protein sequence and biophysical properties (such as structural, functional, and spatial information, amino acid conservation, physicochemical variation, residue mobility, and thermodynamic stability) has been performed at Invitae for this missense variant, however the output from this modeling did not meet the statistical confidence thresholds required to predict the impact of this variant on TSC2 protein function. In summary, the available evidence is currently insufficient to determine the role of this variant in disease. Therefore, it has been classified as a Variant of Uncertain Significance.

Baylor Genetics
Classification: Uncertain significance for Isolated focal cortical dysplasia type II. Last evaluated: 2023-12-02. Review status: criteria provided, single submitter. Criteria: ACMG Guidelines, 2015. Collection method: clinical testing. Allele origin: unknown.

NM_000548.5(TSC2):c.4514A>G (p.Tyr1505Cys)

Gene: TSC2 (TSC complex subunit 2; plus strand). Cytogenetic location: 16p13.3.
Variant type: single nucleotide variant.
Coding change: c.4514A>G on transcript NM_000548.5 (MANE Select); coding-DNA position 4514, A replaced by G.
Protein change: p.Tyr1505Cys; replaces tyrosine 1505 with cysteine.
Molecular consequence: missense variant.
Genome position (GRCh38, 1-based): chr16:2,084,971, A>G. VCF-style: chr16-2084971-A-G. GRCh37 (hg19) VCF-style: chr16-2134972-A-G.
Other names: c.3782A>G, p.Tyr1261Cys (NM_001318831.2); c.4346A>G, p.Tyr1449Cys (NM_001318832.2); c.4316A>G, p.Tyr1439Cys (NM_001363528.2); c.4382A>G, p.Tyr1461Cys (NM_001370404.1); c.4385A>G, p.Tyr1462Cys (NM_001370405.1, NM_021055.3); c.4205A>G, p.Tyr1402Cys (NM_001318827.2); c.4169A>G, p.Tyr1390Cys (NM_001318829.2); c.4313A>G, p.Tyr1438Cys (NM_001077183.3); and 1 more; short protein forms Y1261C, Y1390C, Y1402C, Y1438C, Y1439C, Y1449C, Y1461C, Y1462C.
Identifiers: ClinVar variation 1017292 (VCV001017292.9), dbSNP rs2090580905, ClinGen allele CA394302752.